The following is an entry in ClinVar:

ClinVar aggregate classification (germline): Likely benign (0 of 4 stars; one submission).

Conditions:
MYBPC1-related disorder. Also called: MYBPC1-related condition.

Allele frequency attached by ClinVar (database versions not stated): TOPMed 0.00007; gnomAD exomes 0.00008; ExAC 0.00009; gnomAD 0.00011; 1000 Genomes Project 0.00060; 1000 Genomes Project 30x 0.00062.
gnomAD v4.1: 128 of 1,614,110 alleles (0.0079%); highest among the groups gnomAD compares: Admixed American, 0.015%; no homozygotes.

Submission:

PreventionGenetics, part of Exact Sciences
Classification: Likely benign for MYBPC1-related condition. Last evaluated: 2019-06-26. Review status: no assertion criteria provided. Collection method: clinical testing. Allele origin: germline.
Comment: This variant is classified as likely benign based on ACMG/AMP sequence variant interpretation guidelines (Richards et al. 2015 PMID: 25741868, with internal and published modifications).

NM_002465.4(MYBPC1):c.1725C>T (p.Ser575=)

Gene: MYBPC1 (myosin binding protein C1; plus strand). Cytogenetic location: 12q23.2.
Variant type: single nucleotide variant.
Coding change: c.1725C>T on transcript NM_002465.4 (MANE Select); coding-DNA position 1725, C replaced by T.
Protein change: p.Ser575=; no amino-acid change (serine 575 retained).
Molecular consequence: synonymous variant.
Genome position (GRCh38, 1-based): chr12:101,653,206, C>T. VCF-style: chr12-101653206-C-T. GRCh37 (hg19) VCF-style: chr12-102046984-C-T.
Other names: c.1650C>T, p.Ser550= (NM_001254718.3, NM_001254719.3, NM_206820.4 and 1 more transcripts); c.1614C>T, p.Ser538= (NM_001254720.3); c.1593C>T, p.Ser531= (NM_001254721.3, NM_001404676.1, NM_001404678.1); c.1572C>T, p.Ser524= (NM_001254722.3, NM_001404680.1); c.1611C>T, p.Ser537= (NM_001254723.3); c.1725C>T, p.Ser575= (NM_001404675.1, NM_206819.4); c.1515C>T, p.Ser505= (NM_001404677.1, NM_001404679.1, NM_001404681.1).
Identifiers: ClinVar variation 3043039 (VCV003043039.2), dbSNP rs192079671, ClinGen allele CA6744862.
Genomic context (GRCh38, chr12:101,653,206, plus strand): 5'-TGCTGACAACACAGTGACAGTGATTGCAGGAAACAAGCTTCGTCTTGAGATCCCCATCAG[C>T]GGAGAACCACCTCCTAAAGCCATGTGGAGCCGGGGAGATAAGGTTTGTTTTATGCTTGCA-3'
Protein context (NP_002456.2, residues 565-585): GNKLRLEIPI[Ser575=]GEPPPKAMWS